The following is an entry in ClinVar:

ClinVar aggregate classification (germline): Uncertain significance (1 of 4 stars; one submission).

Conditions:
Pontocerebellar hypoplasia type 1B. Also called: EXOSC3 Pontocerebellar Hypoplasia. Identifiers: Orphanet 2254, MedGen C3553449, MONDO:0013853, OMIM 614678.

Allele frequency attached by ClinVar (database versions not stated): gnomAD 0.00001; gnomAD exomes 0.00001; ExAC 0.00003; 1000 Genomes Project 30x 0.00016; 1000 Genomes Project 0.00020.
gnomAD v4.1: 9 of 1,595,120 alleles (0.00056%); highest among the groups gnomAD compares: Admixed American, 0.0034%; no homozygotes.

Submission:

Labcorp Genetics (formerly Invitae), Labcorp
Classification: Uncertain significance for Pontocerebellar hypoplasia type 1B. Last evaluated: 2023-06-10. Review status: criteria provided, single submitter. Criteria: Invitae Variant Classification Sherloc (09022015). Collection method: clinical testing. Allele origin: germline.
Comment: In summary, the available evidence is currently insufficient to determine the role of this variant in disease. Therefore, it has been classified as a Variant of Uncertain Significance. An algorithm developed to predict the effect of missense changes on protein structure and function (PolyPhen-2) suggests that this variant is likely to be tolerated. ClinVar contains an entry for this variant (Variation ID: 1929199). This variant has not been reported in the literature in individuals affected with EXOSC3-related conditions. This variant is present in population databases (rs565950496, gnomAD 0.006%). This sequence change replaces glutamic acid, which is acidic and polar, with lysine, which is basic and polar, at codon 3 of the EXOSC3 protein (p.Glu3Lys).

NM_016042.4(EXOSC3):c.7G>A (p.Glu3Lys)

Gene: EXOSC3 (exosome component 3; minus strand). Cytogenetic location: 9p13.2.
Variant type: single nucleotide variant.
Coding change: c.7G>A on transcript NM_016042.4 (MANE Select); coding-DNA position 7, G replaced by A.
Protein change: p.Glu3Lys; replaces glutamic acid 3 with lysine.
Molecular consequence: missense variant.
Genome position (GRCh38, 1-based): chr9:37,785,038, C>T on the plus strand (G>A on the coding strand, the complement: EXOSC3 is on the minus strand). VCF-style: chr9-37785038-C-T. GRCh37 (hg19) VCF-style: chr9-37785035-C-T.
Other names: c.7G>A, p.Glu3Lys (NM_001002269.2); short protein forms E3K.
Identifiers: ClinVar variation 1929199 (VCV001929199.5), dbSNP rs565950496, ClinGen allele CA5062891.